The following is an entry in ClinVar:

ClinVar aggregate classification (germline): Conflicting classifications of pathogenicity. Review status: criteria provided, conflicting classifications (1 of 4 stars). 3 submissions from 3 submitters: Uncertain significance (2); Likely benign (1). Last evaluated 2025-12-22.

Conditions:
Menkes kinky-hair syndrome (MNK). Also called: Classic Menkes Disease; Copper transport disease; Menkes Disease. Identifiers: Orphanet 565, MedGen C0022716, MONDO:0010651, OMIM 309400.
X-linked distal spinal muscular atrophy type 3. Also called: NEURONOPATHY, DISTAL HEREDITARY MOTOR, X-LINKED; NEUROPATHY, DISTAL HEREDITARY MOTOR, X-LINKED; ATP7A-Related Distal Motor Neuropathy; SPINAL MUSCULAR ATROPHY, DISTAL, X-LINKED RECESSIVE. Identifiers: Orphanet 139557, MedGen C1845359, MONDO:0010338, OMIM 300489.
Cutis laxa, X-linked (OHS). Also called: EDS IX; Occipital horn syndrome. Identifiers: Orphanet 198, MedGen C0268353, MONDO:0010572, OMIM 304150.
Inborn genetic diseases. Identifiers: MedGen C0950123, MeSH D030342.

Allele frequency attached by ClinVar (database versions not stated): gnomAD 0.00001; gnomAD exomes 0.00001.
gnomAD v4.1: 11 of 1,209,775 alleles (0.00091%); highest among the groups gnomAD compares: South Asian, 0.018%; no homozygotes.

Submissions (3):

Labcorp Genetics (formerly Invitae), Labcorp
Classification: Likely benign for X-linked distal spinal muscular atrophy type 3; Cutis laxa, X-linked; Menkes kinky-hair syndrome. Last evaluated: 2025-12-22. Review status: criteria provided, single submitter. Criteria: Invitae Variant Classification Sherloc (09022015). Collection method: clinical testing. Allele origin: germline.

Ambry Genetics
Classification: Uncertain significance for Inborn genetic diseases. Last evaluated: 2024-08-01. Review status: criteria provided, single submitter. Criteria: Ambry Variant Classification Scheme 2023. Collection method: clinical testing. Allele origin: germline.

Neuberg Centre For Genomic Medicine, NCGM
Classification: Uncertain significance for Menkes kinky-hair syndrome. Review status: criteria provided, single submitter. Criteria: ACMG Guidelines, 2015. Collection method: clinical testing. Allele origin: germline. Inheritance: X-linked recessive inheritance. Affected: yes.
Comment: The missense variant c.415A>Tp.Ile139Leu in ATP7A gene has not been reported previously as a pathogenic variant nor as a benign variant, to our knowledge. The variant is reported with 0.0005% allele frequency in gnomAD Exomes and is novel not in any individuals in 1000 Genomes. This variant has been reported to the ClinVar database as Uncertain Significance. However, study on multiple affected individuals and functional impact of the variant is not available. The amino acid Isoleucine at position 139 is changed to a Leucine changing protein sequence and it might alter its composition and physico-chemical properties. The amino acid change p.Ile139Leu in ATP7A is predicted as conserved by GERP++ and PhyloP across 100 vertebrates. For these reasons, this variant has been classified as Uncertain Significance.

NM_000052.7(ATP7A):c.415A>T (p.Ile139Leu)

Gene: ATP7A (ATPase copper transporting alpha; plus strand). Cytogenetic location: Xq21.1.
Variant type: single nucleotide variant.
Coding change: c.415A>T on transcript NM_000052.7 (MANE Select); coding-DNA position 415, A replaced by T.
Protein change: p.Ile139Leu; replaces isoleucine 139 with leucine.
Molecular consequence: missense variant.
Genome position (GRCh38, 1-based): chrX:77,988,536, A>T. VCF-style: chrX-77988536-A-T. GRCh37 (hg19) VCF-style: chrX-77244032-A-T.
Other names: c.415A>T (NM_000052.4); c.415A>T, p.Ile139Leu (NM_001282224.2); short protein forms I139L.
Identifiers: ClinVar variation 1523015 (VCV001523015.8), dbSNP rs1557231629, ClinGen allele CA413599758.